The following is an entry in ClinVar:

ClinVar aggregate classification (germline): Uncertain significance. Review status: criteria provided, multiple submitters, no conflicts (2 of 4 stars). 3 submissions from 3 submitters: Uncertain significance (3). Last evaluated 2026-04-09.

Conditions:
PHIP-related disorder. Also called: PHIP-related condition; PHIP-related disorders.
Inborn genetic diseases. Identifiers: MedGen C0950123, MeSH D030342.

Allele frequency attached by ClinVar (database versions not stated): gnomAD exomes 0.00001; ExAC 0.00002; gnomAD 0.00003; TOPMed 0.00005.
gnomAD v4.1: 12 of 1,602,494 alleles (0.00075%); highest among the groups gnomAD compares: African/African-American, 0.013%; no homozygotes.

Submissions (3):

PreventionGenetics, part of Exact Sciences
Classification: Uncertain significance for PHIP-related condition. Last evaluated: 2026-04-09. Review status: criteria provided, single submitter. Criteria: ACMG Guidelines, 2015. Collection method: clinical testing. Allele origin: germline.
Comment: The PHIP c.2284G>A variant is predicted to result in the amino acid substitution p.Val762Ile. To our knowledge, this variant has not been reported in the literature. This variant is reported in 0.012% of alleles in individuals of African descent in gnomAD, which may be too common to be an undocumented pathogenic variant. Although we suspect that this variant may be benign, at this time, the clinical significance of this variant is uncertain due to the absence of conclusive functional and genetic evidence.

Ambry Genetics
Classification: Uncertain significance for Inborn genetic diseases. Last evaluated: 2024-07-09. Review status: criteria provided, single submitter. Criteria: Ambry Variant Classification Scheme 2023. Collection method: clinical testing. Allele origin: germline.

Labcorp Genetics (formerly Invitae), Labcorp
Classification: Uncertain significance. Last evaluated: 2024-05-13. Review status: criteria provided, single submitter. Criteria: Invitae Variant Classification Sherloc (09022015). Collection method: clinical testing. Allele origin: germline.
Comment: This sequence change replaces valine, which is neutral and non-polar, with isoleucine, which is neutral and non-polar, at codon 762 of the PHIP protein (p.Val762Ile). This variant is present in population databases (rs750734339, gnomAD 0.01%). This variant has not been reported in the literature in individuals affected with PHIP-related conditions. ClinVar contains an entry for this variant (Variation ID: 1982730). Advanced modeling of protein sequence and biophysical properties (such as structural, functional, and spatial information, amino acid conservation, physicochemical variation, residue mobility, and thermodynamic stability) performed at Invitae indicates that this missense variant is not expected to disrupt PHIP protein function with a negative predictive value of 80%. In summary, the available evidence is currently insufficient to determine the role of this variant in disease. Therefore, it has been classified as a Variant of Uncertain Significance.

NM_017934.7(PHIP):c.2284G>A (p.Val762Ile)

Gene: PHIP (PHIP subunit of CUL4-Ring ligase complex; minus strand). Cytogenetic location: 6q14.1.
Variant type: single nucleotide variant.
Coding change: c.2284G>A on transcript NM_017934.7 (MANE Select); coding-DNA position 2284, G replaced by A.
Protein change: p.Val762Ile; replaces valine 762 with isoleucine.
Molecular consequence: missense variant.
Genome position (GRCh38, 1-based): chr6:78,990,903, C>T on the plus strand (G>A on the coding strand, the complement: PHIP is on the minus strand). VCF-style: chr6-78990903-C-T. GRCh37 (hg19) VCF-style: chr6-79700620-C-T.
Other names: c.2284G>A (NM_017934.6, NM_017934.5); short protein forms V762I.
Identifiers: ClinVar variation 1982730 (VCV001982730.6), dbSNP rs750734339, ClinGen allele CA3899995.
Genomic context (GRCh38, chr6:78,990,903, plus strand): 5'-AAACATCAAAATAATTAATATGTACCTTTGAGACAGTGGGTATTTTATTCTCTTTTGGAA[C>T]AGTTAAGTGTTTTCTTTTCTCTTCTGACCTGTAAGTCTTTATTTCTTCTTCTCCCTTTGC-3'
Protein context (NP_060404.4, residues 752-772): RSEEKRKHLT[Val762Ile]PKENKIPTVS